The following is an entry in ClinVar:

NM_001171.6(ABCC6):c.1060G>A (p.Val354Met)

Gene: ABCC6 (ATP binding cassette subfamily C member 6; minus strand). Cytogenetic location: 16p13.11.
Variant type: single nucleotide variant.
Coding change: c.1060G>A on transcript NM_001171.6 (MANE Select); coding-DNA position 1060, G replaced by A.
Protein change: p.Val354Met; replaces valine 354 with methionine.
Molecular consequence: missense variant. On other transcripts: non-coding transcript variant (1).
Genome position (GRCh38, 1-based): chr16:16,202,117, C>T on the plus strand (G>A on the coding strand, the complement: ABCC6 is on the minus strand). VCF-style: chr16-16202117-C-T. GRCh37 (hg19) VCF-style: chr16-16295974-C-T.
Other names: c.718G>A, p.Val240Met (NM_001351800.1); c.1060G>A (NM_001171.5); short protein forms V240M, V354M.
Identifiers: ClinVar variation 808012 (VCV000808012.45), dbSNP rs372132926, ClinGen allele CA7926474.
Genomic context (GRCh38, chr16:16,202,117, plus strand): 5'-GCCTGTACATGTTCTGCTGCTCAAACAGCGTTTGCAGGCAGGCTGAGAGGAACATCAGCA[C>T]GGCGAGGAGGTAGCCCTTCCAGGCTGGAGGCTTGGGATCACCAATAAACTCCAGGAAAAG-3'
Protein context (NP_001162.5, residues 344-364): PPAWKGYLLA[Val354Met]LMFLSACLQT

ClinVar aggregate classification (germline): Conflicting classifications of pathogenicity. Review status: criteria provided, conflicting classifications (1 of 4 stars). 3 submissions from 3 submitters: Uncertain significance (2); Likely benign (1). Last evaluated 2026-02-03.

Conditions:
ABCC6-related disorder. Also called: ABCC6-related condition.
Autosomal recessive inherited pseudoxanthoma elasticum (PXE). Identifiers: Orphanet 758, MedGen CN032334, MONDO:0009925, OMIM 264800.
Pseudoxanthoma elasticum, forme fruste. Also called: Pseudoxanthoma Elasticum, Incomplete; PSEUDOXANTHOMA ELASTICUM, HETEROZYGOUS. Identifiers: Orphanet 758, MedGen C1867450, MONDO:0008333, OMIM 177850.
Arterial calcification, generalized, of infancy, 2. Identifiers: Orphanet 51608, MedGen C3276161, MONDO:0013768, OMIM 614473.

Allele frequency attached by ClinVar (database versions not stated): ESP Exome Variant Server 0.00008; gnomAD 0.00015; gnomAD exomes 0.00015 and 0.00022; TOPMed 0.00018; 1000 Genomes Project 30x 0.00031; ExAC 0.00034; 1000 Genomes Project 0.00040.

Submissions (3):

PreventionGenetics, part of Exact Sciences
Classification: Uncertain significance for ABCC6-related condition. Last evaluated: 2026-02-03. Review status: criteria provided, single submitter. Criteria: ACMG Guidelines, 2015. Collection method: clinical testing. Allele origin: germline.
Comment: The ABCC6 c.1060G>A variant is predicted to result in the amino acid substitution p.Val354Met. To our knowledge, this variant has not been reported in the literature. This variant is reported in 0.033% of alleles in individuals of European (Non-Finnish) descent in gnomAD. At this time, the clinical significance of this variant is uncertain due to the absence of conclusive functional and genetic evidence.

Fulgent Genetics
Classification: Uncertain significance for Pseudoxanthoma elasticum, forme fruste; Autosomal recessive inherited pseudoxanthoma elasticum; Arterial calcification, generalized, of infancy, 2. Last evaluated: 2024-05-02. Review status: criteria provided, single submitter. Criteria: ACMG Guidelines, 2015. Collection method: clinical testing. Allele origin: germline.

CeGaT Center for Human Genetics Tuebingen
Classification: Likely benign. Last evaluated: 2024-02-01. Review status: criteria provided, single submitter. Criteria: CeGaT Center For Human Genetics Tuebingen Variant Classification Criteria Version 2. Collection method: clinical testing. Allele origin: germline. Affected: yes. Observed: 3 variant alleles.
Comment: ABCC6: BP4